The following is an entry in ClinVar:

NM_004320.6(ATP2A1):c.325-201T>C

Gene: ATP2A1 (ATPase sarcoplasmic/endoplasmic reticulum Ca2+ transporting 1; plus strand). Cytogenetic location: 16p11.2.
Variant type: single nucleotide variant.
Coding change: c.325-201T>C on transcript NM_004320.6 (MANE Select); 201 bases into the intron before coding-DNA position 325, T replaced by C.
Molecular consequence: intron variant.
Genome position (GRCh38, 1-based): chr16:28,882,250, T>C. VCF-style: chr16-28882250-T-C. GRCh37 (hg19) VCF-style: chr16-28893571-T-C.
Other names: c.325-201T>C (NM_173201.5); c.-51-201T>C (NM_001286075.2).
Identifiers: ClinVar variation 678080 (VCV000678080.1), dbSNP rs7498555, ClinGen allele CA14281169.

ClinVar aggregate classification (germline): Benign (1 of 4 stars; one submission).

Allele frequency attached by ClinVar (database versions not stated): 1000 Genomes Project 0.19369; 1000 Genomes Project 30x 0.19785; TOPMed 0.27404; gnomAD 0.28470 and 0.28668.
gnomAD v4.1: 43,132 of 151,728 alleles (28%); highest among the groups gnomAD compares: Non-Finnish European, 39%; 7,938 homozygotes.

Submission:

GeneDx
Classification: Benign. Last evaluated: 2018-06-19. Review status: criteria provided, single submitter. Criteria: GeneDx Variant Classification (06012015). Collection method: clinical testing. Allele origin: germline. Affected: yes.
Comment: This variant is considered likely benign or benign based on one or more of the following criteria: it is a conservative change, it occurs at a poorly conserved position in the protein, it is predicted to be benign by multiple in silico algorithms, and/or has population frequency not consistent with disease.